The following is an entry in ClinVar:

NM_001130082.3(PLXNB1):c.2710-10G>C

Gene: PLXNB1 (plexin B1; minus strand). Cytogenetic location: 3p21.31.
Variant type: single nucleotide variant.
Coding change: c.2710-10G>C on transcript NM_001130082.3 (MANE Select); 10 bases into the intron before coding-DNA position 2710, G replaced by C.
Molecular consequence: intron variant.
Genome position (GRCh38, 1-based): chr3:48,419,376, C>G on the plus strand (G>C on the coding strand, the complement: PLXNB1 is on the minus strand). VCF-style: chr3-48419376-C-G. GRCh37 (hg19) VCF-style: chr3-48460785-C-G.
Other names: c.2710-10G>C (NM_002673.6).
Identifiers: ClinVar variation 512653 (VCV000512653.1), dbSNP rs778840227, ClinGen allele CA73942182.

ClinVar aggregate classification (germline): Likely benign (1 of 4 stars; one submission).

Allele frequency attached by ClinVar (database versions not stated): gnomAD exomes 0.00001.

Submission:

GeneDx
Classification: Likely benign. Last evaluated: 2017-10-25. Review status: criteria provided, single submitter. Criteria: GeneDx Variant Classification (06012015). Collection method: clinical testing. Allele origin: germline. Affected: yes.
Comment: This variant is considered likely benign or benign based on one or more of the following criteria: it is a conservative change, it occurs at a poorly conserved position in the protein, it is predicted to be benign by multiple in silico algorithms, and/or has population frequency not consistent with disease.